The following is an entry in ClinVar:

ClinVar aggregate classification (germline): Conflicting classifications of pathogenicity. Review status: criteria provided, conflicting classifications (1 of 4 stars). 7 submissions from 5 submitters: Uncertain significance (4); Benign (1); Likely benign (2). Last evaluated 2025-12-29.

Conditions:
Hereditary spherocytosis type 3. Also called: Spherocytosis type 3; SPTA1-Related Spherocytosis. Identifiers: Orphanet 822, MedGen C2678338, MONDO:0010053, OMIM 270970.
Elliptocytosis 2 (EL2). Also called: ELLIPTOCYTOSIS, RHESUS-UNLINKED TYPE. Identifiers: Orphanet 288, MedGen C1851741, MONDO:0007533, OMIM 130600.
Pyropoikilocytosis, hereditary. Also called: Pyropoikilocytosis. Identifiers: MedGen C0520739, MONDO:0009948, OMIM 266140, HP:0004839. Disease mechanism: loss of function.

Allele frequency attached by ClinVar (database versions not stated): 1000 Genomes Project 0.00060; TOPMed 0.00099; 1000 Genomes Project 30x 0.00109; gnomAD exomes 0.00110 and 0.00178; gnomAD 0.00114 and 0.00117; ExAC 0.00121; ESP Exome Variant Server 0.00140.
gnomAD v4.1: 2,746 of 1,613,698 alleles (0.17%); highest among the groups gnomAD compares: Non-Finnish European, 0.21%; 3 homozygotes.

Submissions (7):

Labcorp Genetics (formerly Invitae), Labcorp
Classification: Benign. Last evaluated: 2025-12-29. Review status: criteria provided, single submitter. Criteria: Invitae Variant Classification Sherloc (09022015). Collection method: clinical testing. Allele origin: germline.

Mayo Clinic Laboratories, Mayo Clinic
Classification: Uncertain significance. Last evaluated: 2025-05-06. Review status: criteria provided, single submitter. Criteria: ACMG Guidelines, 2015. Collection method: clinical testing. Allele origin: germline. Observed: 12 variant alleles.

ARUP Laboratories, Molecular Genetics and Genomics, ARUP Laboratories
Classification: Likely benign. Last evaluated: 2025-01-08. Review status: criteria provided, single submitter. Criteria: ARUP Molecular Germline Variant Investigation Process 2024. Collection method: clinical testing. Allele origin: germline.

Blueprint Genetics
Classification: Uncertain significance. Last evaluated: 2024-11-21. Review status: criteria provided, single submitter. Criteria: ACMG Guidelines, 2015. Collection method: clinical testing. Allele origin: germline.

Illumina Laboratory Services, Illumina
Classification: Uncertain significance for Pyropoikilocytosis, hereditary. Last evaluated: 2018-01-13. Review status: criteria provided, single submitter. Criteria: ICSL Variant Classification Criteria 13 December 2019. Collection method: clinical testing. Allele origin: germline.

Illumina Laboratory Services, Illumina
Classification: Uncertain significance for Hereditary spherocytosis type 3. Last evaluated: 2018-01-13. Review status: criteria provided, single submitter. Criteria: ICSL Variant Classification Criteria 13 December 2019. Collection method: clinical testing. Allele origin: germline.

Illumina Laboratory Services, Illumina
Classification: Likely benign for Elliptocytosis 2. Last evaluated: 2018-01-13. Review status: criteria provided, single submitter. Criteria: ICSL Variant Classification Criteria 13 December 2019. Collection method: clinical testing. Allele origin: germline.
Comment: This variant was observed in the ICSL laboratory as part of a predisposition screen in an ostensibly healthy population. It had not been previously curated by ICSL or reported in the Human Gene Mutation Database (HGMD: prior to June 1st, 2018), and was therefore a candidate for classification through an automated scoring system. Utilizing variant allele frequency, disease prevalence and penetrance estimates, and inheritance mode, an automated score was calculated to assess if this variant is too frequent to cause the disease. Based on the score and internal cut-off values, a variant classified as likely benign is not then subjected to further curation. The score for this variant resulted in a classification of likely benign for this disease.

NM_003126.4(SPTA1):c.192T>A (p.Asp64Glu)

Gene: SPTA1 (spectrin alpha, erythrocytic 1; minus strand). Cytogenetic location: 1q23.1.
Variant type: single nucleotide variant.
Coding change: c.192T>A on transcript NM_003126.4 (MANE Select); coding-DNA position 192, T replaced by A.
Protein change: p.Asp64Glu; replaces aspartic acid 64 with glutamic acid.
Molecular consequence: missense variant.
Genome position (GRCh38, 1-based): chr1:158,685,180, A>T on the plus strand (T>A on the coding strand, the complement: SPTA1 is on the minus strand). VCF-style: chr1-158685180-A-T. GRCh37 (hg19) VCF-style: chr1-158654970-A-T.
Other names: short protein forms D64E.
Identifiers: ClinVar variation 293058 (VCV000293058.20), dbSNP rs200860772, ClinGen allele CA1184237.
Genomic context (GRCh38, chr1:158,685,180, plus strand): 5'-TGGGTCTTCATAGCTCTTATCGGTTAAGATATTGACTTTCTCCATGATCCACTTCCCCAG[A>T]TCATCTGCATCTCGCTTGAAAACTTGTAAGTGATAGGAATCCTCAAGCTTCTGACCCCTC-3'
Protein context (NP_003117.2, residues 54-74): HLQVFKRDAD[Asp64Glu]LGKWIMEKVN